The following is an entry in ClinVar:

ClinVar aggregate classification (germline): Uncertain significance. Review status: criteria provided, multiple submitters, no conflicts (2 of 4 stars). 2 submissions from 2 submitters: Uncertain significance (2). Last evaluated 2026-03-12.

Conditions:
Hereditary cancer-predisposing syndrome. Also called: Tumor predisposition; Neoplastic Syndromes, Hereditary; Hereditary Cancer Syndrome; Hereditary neoplastic syndrome. Identifiers: Orphanet 140162, MedGen C0027672, MeSH D009386, MONDO:0015356.

Submissions (2):

Ambry Genetics
Classification: Uncertain significance for Hereditary cancer-predisposing syndrome. Last evaluated: 2026-03-12. Review status: criteria provided, single submitter. Criteria: Ambry Variant Classification Scheme 2023. Collection method: clinical testing. Allele origin: germline.
Comment: The p.V1518G variant (also known as c.4553T>G), located in coding exon 36 of the POLE gene, results from a T to G substitution at nucleotide position 4553. The valine at codon 1518 is replaced by glycine, an amino acid with dissimilar properties. This amino acid position is conserved. In addition, the in silico prediction for this alteration is inconclusive. Based on the available evidence, the clinical significance of this variant remains unclear.

Labcorp Genetics (formerly Invitae), Labcorp
Classification: Uncertain significance. Last evaluated: 2023-11-08. Review status: criteria provided, single submitter. Criteria: Invitae Variant Classification Sherloc (09022015). Collection method: clinical testing. Allele origin: germline.
Comment: This sequence change replaces valine, which is neutral and non-polar, with glycine, which is neutral and non-polar, at codon 1518 of the POLE protein (p.Val1518Gly). This variant is not present in population databases (gnomAD no frequency). This variant has not been reported in the literature in individuals affected with POLE-related conditions. An algorithm developed to predict the effect of missense changes on protein structure and function (PolyPhen-2) suggests that this variant is likely to be disruptive. In summary, the available evidence is currently insufficient to determine the role of this variant in disease. Therefore, it has been classified as a Variant of Uncertain Significance.

NM_006231.4(POLE):c.4553T>G (p.Val1518Gly)

Gene: POLE (DNA polymerase epsilon, catalytic subunit; minus strand). Cytogenetic location: 12q24.33.
Variant type: single nucleotide variant.
Coding change: c.4553T>G on transcript NM_006231.4 (MANE Select); coding-DNA position 4553, T replaced by G.
Protein change: p.Val1518Gly; replaces valine 1518 with glycine.
Molecular consequence: missense variant.
Genome position (GRCh38, 1-based): chr12:132,642,995, A>C on the plus strand (T>G on the coding strand, the complement: POLE is on the minus strand). VCF-style: chr12-132642995-A-C. GRCh37 (hg19) VCF-style: chr12-133219581-A-C.
Other names: c.4553T>G (NM_006231.2); short protein forms V1518G.
Identifiers: ClinVar variation 2783831 (VCV002783831.4), dbSNP rs2138543567, ClinGen allele CA387379369.
Genomic context (GRCh38, chr12:132,642,995, plus strand): 5'-AGGAGGAGGCCGTGCTCTGCTGAGTACAGGGCGCCAAGGCTGGGCATCTGGTTGCTGCGC[A>C]CCTAGACCAACGCAGGCCACGTCAGCCTCCCCCTGCGCAGGAGGAAGTGGGGGCAGCCCT-3'
Protein context (NP_006222.2, residues 1508-1528): RRASVFVLDT[Val1518Gly]RSNQMPSLGA